The following is an entry in ClinVar:

ClinVar aggregate classification (germline): Pathogenic. Review status: criteria provided, multiple submitters, no conflicts (2 of 4 stars). 3 submissions from 3 submitters: Pathogenic (3). Last evaluated 2025-11-18.

Conditions:
Hereditary cancer-predisposing syndrome. Also called: Hereditary neoplastic syndrome; Hereditary Cancer Syndrome; Neoplastic Syndromes, Hereditary; Tumor predisposition. Identifiers: Orphanet 140162, MedGen C0027672, MeSH D009386, MONDO:0015356.
Familial cancer of breast. Also called: hereditary breast carcinoma; Hereditary breast cancer; BREAST CANCER, FAMILIAL. Identifiers: Orphanet 227535, MedGen C0346153, MONDO:0016419, OMIM 114480. Disease mechanism: loss of function.

Submissions (3):

Ambry Genetics
Classification: Pathogenic for Hereditary cancer-predisposing syndrome. Last evaluated: 2025-11-18. Review status: criteria provided, single submitter. Criteria: Ambry Variant Classification Scheme 2023. Collection method: clinical testing. Allele origin: germline.
Comment: The c.1540delC pathogenic mutation, located in coding exon 6 of the BARD1 gene, results from a deletion of one nucleotide at nucleotide position 1540, causing a translational frameshift with a predicted alternate stop codon (p.L514Ffs*26). This variant is considered to be rare based on population cohorts in the Genome Aggregation Database (gnomAD). This alteration is expected to result in loss of function by premature protein truncation or nonsense-mediated mRNA decay. As such, this alteration is interpreted as a disease-causing mutation.

Labcorp Genetics (formerly Invitae), Labcorp
Classification: Pathogenic for Familial cancer of breast. Last evaluated: 2025-09-10. Review status: criteria provided, single submitter. Criteria: Invitae Variant Classification Sherloc (09022015). Collection method: clinical testing. Allele origin: germline.
Comment: This sequence change creates a premature translational stop signal (p.Leu514Phefs*26) in the BARD1 gene. It is expected to result in an absent or disrupted protein product. Loss-of-function variants in BARD1 are known to be pathogenic (PMID: 20077502, 21344236). This variant is not present in population databases (gnomAD no frequency). This variant has not been reported in the literature in individuals affected with BARD1-related conditions. ClinVar contains an entry for this variant (Variation ID: 2573325). For these reasons, this variant has been classified as Pathogenic.

Myriad Genetics, Inc.
Classification: Pathogenic for Familial cancer of breast. Last evaluated: 2023-02-13. Review status: criteria provided, single submitter. Criteria: Myriad Autosomal Dominant, Autosomal Recessive and X-Linked Classification Criteria (2023). Collection method: clinical testing. Allele origin: unknown.
Comment: This variant is considered pathogenic. This variant creates a frameshift predicted to result in premature protein truncation.

Literature cited by the submitters: PubMed 20077502 (cited by Labcorp Genetics (formerly Invitae), Labcorp); PubMed 21344236 (cited by Labcorp Genetics (formerly Invitae), Labcorp).

NM_000465.4(BARD1):c.1540del (p.Leu514fs)

Gene: BARD1 (BRCA1 associated RING domain 1; minus strand). Cytogenetic location: 2q35.
Variant type: Deletion.
Coding change: c.1540del on transcript NM_000465.4 (MANE Select); coding-DNA position 1540, one base deleted (C; older notation c.1540delC).
Protein change: p.Leu514fs; shifts the reading frame from leucine 514.
Molecular consequence: frameshift variant. On other transcripts: non-coding transcript variant (3), intron variant (3).
Genome position (GRCh38, 1-based): chr2:214,767,510, G deleted on the plus strand (C on the coding strand, the reverse complement: BARD1 is on the minus strand). VCF-style (leftmost placement, unchanged base first): chr2-214767509-AG-A. GRCh37 (hg19) VCF-style: chr2-215632233-AG-A.
Other names: c.1483del, p.Leu495fs (NM_001282543.2); c.159-14955del (NM_001282548.2); c.216-14955del (NM_001282545.2); c.364+24787del (NM_001282549.2); c.1540delC (NM_000465.2); short protein forms L495fs, L514fs.
Identifiers: ClinVar variation 2573325 (VCV002573325.3), dbSNP rs2469442686, ClinGen allele CA2580616674.
Genomic context (GRCh38, chr2:214,767,509, plus strand): 5'-TTTTAAAAATAATTTTTACGTTGAACTACTTACACAGCATTTCTGGAGGCTCCATAGGAA[AG>A]TAACAGCTTGACTATATCCACATGCCCATTCTTGGCTGCATCGTGAAGTGGTGAGTCATT-3'